The following is an entry in ClinVar:

NM_001267550.2(TTN):c.1148A>T (p.Gln383Leu)

Gene: TTN (titin; minus strand). Cytogenetic location: 2q31.2.
Variant type: single nucleotide variant.
Coding change: c.1148A>T on transcript NM_001267550.2 (MANE Select); coding-DNA position 1148, A replaced by T.
Protein change: p.Gln383Leu; replaces glutamine 383 with leucine.
Molecular consequence: missense variant.
Genome position (GRCh38, 1-based): chr2:178,795,019, T>A on the plus strand (A>T on the coding strand, the complement: TTN is on the minus strand). VCF-style: chr2-178795019-T-A. GRCh37 (hg19) VCF-style: chr2-179659746-T-A.
Other names: c.1148A>T, p.Gln383Leu (NM_001256850.1, NM_003319.4, NM_133378.4 and 3 more transcripts); short protein forms Q383L.
Identifiers: ClinVar variation 4987719 (VCV004987719.1).
Genomic context (GRCh38, chr2:178,795,019, plus strand): 5'-CTAGCACTGGCCGACACACTGGCGGCAGCACCCGCAGCACCACTGATGGTCACTTGCTCC[T>A]GGACACCGTATCTCCCTTCCCATCTCTCTTCTGTCCTGATCTGAGTAGAGGTTGTCAGCG-3'
Protein context (NP_001254479.2, residues 373-393): EERWEGRYGV[Gln383Leu]EQVTISGAAG

ClinVar aggregate classification (germline): Uncertain significance (1 of 4 stars; one submission).

Conditions:
TTN-related disorder. Also called: TTN-related disorders; TTN-related condition; TTN-related disease.

gnomAD v4.1: 2 of 1,611,956 alleles (0.00012%); highest among the groups gnomAD compares: Admixed American, 0.0033%; no homozygotes.

Submission:

PreventionGenetics, part of Exact Sciences
Classification: Uncertain significance for TTN-related condition. Last evaluated: 2026-06-05. Review status: criteria provided, single submitter. Criteria: ACMG Guidelines, 2015. Collection method: clinical testing. Allele origin: germline.
Comment: The TTN c.1148A>T variant is predicted to result in the amino acid substitution p.Gln383Leu. To our knowledge, this variant has not been reported in the literature. This variant is reported in 0.0087% of alleles in individuals of Latino descent in gnomAD. At this time, the clinical significance of this variant is uncertain due to the absence of conclusive functional and genetic evidence.